The following is an entry in ClinVar:

ClinVar aggregate classification (germline): Uncertain significance (1 of 4 stars; one submission).

Conditions:
Cryopyrin associated periodic syndrome (CAPS). Identifiers: Orphanet 208650, MedGen C2316212, MONDO:0016168.

Submission:

Kasturba Medical College, Manipal, Kasturba Medical College, Manipal, Manipal Academy of Higher Education, Manipal, India
Classification: Uncertain significance for NLRP3-associated autoinflammatory disease. Review status: criteria provided, single submitter. Criteria: ACMG Guidelines, 2015. Collection method: research. Allele origin: maternal. Inheritance: Autosomal dominant inheritance. Affected: yes. Observed: 1 variant allele, 1 heterozygote.
Comment: The variant is absent in gnomAD population database and our in-house database of 2296 exomes. In-silico analysis tools are consistent in predicting that the variant is disease-causing.

NM_001243133.2(NLRP3):c.707A>T (p.Lys236Met)

Gene: NLRP3 (NLR family pyrin domain containing 3; plus strand). Cytogenetic location: 1q44.
Variant type: single nucleotide variant.
Coding change: c.707A>T on transcript NM_001243133.2 (MANE Select); coding-DNA position 707, A replaced by T.
Protein change: p.Lys236Met; replaces lysine 236 with methionine.
Molecular consequence: missense variant.
Genome position (GRCh38, 1-based): chr1:247,424,156, A>T. VCF-style: chr1-247424156-A-T. GRCh37 (hg19) VCF-style: chr1-247587458-A-T.
Other names: c.707A>T, p.Lys236Met (NM_001079821.3, NM_001127461.3, NM_001127462.3 and 1 more transcripts); c.713A>T, p.Lys238Met (NM_004895.5); short protein forms K236M, K238M.
Identifiers: ClinVar variation 4082098 (VCV004082098.1).